The following is an entry in ClinVar:

NM_000918.4(P4HB):c.620A>G (p.Lys207Arg)

Gene: P4HB (prolyl 4-hydroxylase subunit beta; minus strand). Cytogenetic location: 17q25.3.
Variant type: single nucleotide variant.
Coding change: c.620A>G on transcript NM_000918.4 (MANE Select); coding-DNA position 620, A replaced by G.
Protein change: p.Lys207Arg; replaces lysine 207 with arginine.
Molecular consequence: missense variant.
Genome position (GRCh38, 1-based): chr17:81,855,146, T>C on the plus strand (A>G on the coding strand, the complement: P4HB is on the minus strand). VCF-style: chr17-81855146-T-C. GRCh37 (hg19) VCF-style: chr17-79813022-T-C.
Other names: short protein forms K207R.
Identifiers: ClinVar variation 1486789 (VCV001486789.8), dbSNP rs2143352885, ClinGen allele CA401514736.
Genomic context (GRCh38, chr17:81,855,146, plus strand): 5'-CCCTCTGCAGACCAACCCCAGAACTAACCTGGGCAGAGCTGCCTGGGGCCACTCACCTTC[T>C]TAAAGAGGACAACCCCATCTTTGTCGAGCTGGTATTTGGAGAACACGTCACTGTTGGAAG-3'
Protein context (NP_000909.2, residues 197-217): QLDKDGVVLF[Lys207Arg]KFDEGRNNFE

ClinVar aggregate classification (germline): Uncertain significance (1 of 4 stars; one submission).

Submission:

Labcorp Genetics (formerly Invitae), Labcorp
Classification: Uncertain significance. Last evaluated: 2022-11-01. Review status: criteria provided, single submitter. Criteria: Invitae Variant Classification Sherloc (09022015). Collection method: clinical testing. Allele origin: germline.
Comment: Advanced modeling of protein sequence and biophysical properties (such as structural, functional, and spatial information, amino acid conservation, physicochemical variation, residue mobility, and thermodynamic stability) performed at Invitae indicates that this missense variant is not expected to disrupt P4HB protein function. This sequence change replaces lysine, which is basic and polar, with arginine, which is basic and polar, at codon 207 of the P4HB protein (p.Lys207Arg). This variant is not present in population databases (gnomAD no frequency). This variant has not been reported in the literature in individuals affected with P4HB-related conditions. ClinVar contains an entry for this variant (Variation ID: 1486789). In summary, the available evidence is currently insufficient to determine the role of this variant in disease. Therefore, it has been classified as a Variant of Uncertain Significance.